The following is an entry in ClinVar:

ClinVar aggregate classification (germline): Uncertain significance (1 of 4 stars; one submission).

gnomAD v4.1: 4 of 1,614,128 alleles (0.00025%); highest among the groups gnomAD compares: Admixed American, 0.0067%; no homozygotes.

Submission:

Women's Health and Genetics/Laboratory Corporation of America, LabCorp
Classification: Uncertain significance. Last evaluated: 2024-08-30. Review status: criteria provided, single submitter. Criteria: LabCorp Variant Classification Summary - May 2015. Collection method: clinical testing. Allele origin: germline.
Comment: Variant summary: NPC1 c.1514T>G (p.Val505Gly) results in a non-conservative amino acid change located in the NPC1, middle luminal domain (IPR053956) of the encoded protein sequence. Three of five in-silico tools predict a benign effect of the variant on protein function. The variant allele was found at a frequency of 4e-06 in 251450 control chromosomes. The available data on variant occurrences in the general population are insufficient to allow any conclusion about variant significance. c.1514T>G has been reported in the literature in a compound heterozygous individual affected with juvenile-onset Niemann-Pick Disease Type C (Encarnacao_2020). These data do not allow any conclusion about variant significance. To our knowledge, no experimental evidence demonstrating an impact on protein function has been reported. The following publication has been ascertained in the context of this evaluation (PMID: 32931663). No submitters have cited clinical-significance assessments for this variant to ClinVar. Based on the evidence outlined above, the variant was classified as uncertain significance.

Literature cited by the submitters: PubMed 32931663.

NM_000271.5(NPC1):c.1514T>G (p.Val505Gly)

Gene: NPC1 (NPC intracellular cholesterol transporter 1; minus strand). Cytogenetic location: 18q11.2.
Variant type: single nucleotide variant.
Coding change: c.1514T>G on transcript NM_000271.5 (MANE Select); coding-DNA position 1514, T replaced by G.
Protein change: p.Val505Gly; replaces valine 505 with glycine.
Molecular consequence: missense variant.
Genome position (GRCh38, 1-based): chr18:23,554,797, A>C on the plus strand (T>G on the coding strand, the complement: NPC1 is on the minus strand). VCF-style: chr18-23554797-A-C. GRCh37 (hg19) VCF-style: chr18-21134761-A-C.
Other names: short protein forms V505G.
Identifiers: ClinVar variation 3366716 (VCV003366716.1).